The following is an entry in ClinVar:

NM_138387.4(G6PC3):c.983T>G (p.Val328Gly)

Gene: G6PC3 (glucose-6-phosphatase catalytic subunit 3; plus strand). Cytogenetic location: 17q21.31.
Variant type: single nucleotide variant.
Coding change: c.983T>G on transcript NM_138387.4 (MANE Select); coding-DNA position 983, T replaced by G.
Protein change: p.Val328Gly; replaces valine 328 with glycine.
Molecular consequence: missense variant. On other transcripts: 3 prime UTR variant (1).
Genome position (GRCh38, 1-based): chr17:44,075,985, T>G. VCF-style: chr17-44075985-T-G. GRCh37 (hg19) VCF-style: chr17-42153353-T-G.
Other names: c.*276T>G (NM_001319945.2); c.638T>G, p.Val213Gly (NM_001384165.1, NM_001384166.1, NM_001384167.1 and 1 more transcripts); short protein forms V328G, V213G.
Identifiers: ClinVar variation 4620522 (VCV004620522.1).

ClinVar aggregate classification (germline): Uncertain significance (1 of 4 stars; one submission).

Conditions:
Inborn genetic diseases. Identifiers: MedGen C0950123, MeSH D030342.

Submission:

Ambry Genetics
Classification: Uncertain significance for Inborn genetic diseases. Last evaluated: 2025-11-24. Review status: criteria provided, single submitter. Criteria: Ambry Variant Classification Scheme 2023. Collection method: clinical testing. Allele origin: germline.
Comment: The p.V328G variant (also known as c.983T>G), located in coding exon 6 of the G6PC3 gene, results from a T to G substitution at nucleotide position 983. The valine at codon 328 is replaced by glycine, an amino acid with dissimilar properties. This amino acid position is conserved. In addition, the in silico prediction for this alteration is inconclusive. Based on the available evidence, the clinical significance of this variant remains unclear.